The following is an entry in ClinVar:

ClinVar aggregate classification (germline): Uncertain significance (1 of 4 stars; one submission).

Allele frequency attached by ClinVar (database versions not stated): gnomAD exomes below 0.00001; ExAC 0.00001.
gnomAD v4.1: 1 of 1,209,946 alleles (0.000083%); highest among the groups gnomAD compares: Non-Finnish European, 0.00011%; no homozygotes.

Submission:

Labcorp Genetics (formerly Invitae), Labcorp
Classification: Uncertain significance. Last evaluated: 2022-07-09. Review status: criteria provided, single submitter. Criteria: Invitae Variant Classification Sherloc (09022015). Collection method: clinical testing. Allele origin: germline.
Comment: In summary, the available evidence is currently insufficient to determine the role of this variant in disease. Therefore, it has been classified as a Variant of Uncertain Significance. Variants that disrupt the consensus splice site are a relatively common cause of aberrant splicing (PMID: 17576681, 9536098). Algorithms developed to predict the effect of sequence changes on RNA splicing suggest that this variant is not likely to affect RNA splicing. This variant has not been reported in the literature in individuals affected with BCAP31-related conditions. This variant is present in population databases (rs782815554, gnomAD 0.001%). This sequence change falls in intron 6 of the BCAP31 gene. It does not directly change the encoded amino acid sequence of the BCAP31 protein. It affects a nucleotide within the consensus splice site.

Literature cited by the submitters: PubMed 17576681; PubMed 9536098.

NM_001256447.2(BCAP31):c.601+3G>A

Gene: BCAP31 (B cell receptor associated protein 31; minus strand). Cytogenetic location: Xq28.
Variant type: single nucleotide variant.
Coding change: c.601+3G>A on transcript NM_001256447.2 (MANE Select); 3 bases into the intron after coding-DNA position 601, G replaced by A.
Molecular consequence: intron variant.
Genome position (GRCh38, 1-based): chrX:153,702,932, C>T on the plus strand (G>A on the coding strand, the complement: BCAP31 is on the minus strand). VCF-style: chrX-153702932-C-T. GRCh37 (hg19) VCF-style: chrX-152968387-C-T.
Other names: c.601+3G>A (NM_005745.8, NM_001139441.1); c.802+3G>A (NM_001139457.2).
Identifiers: ClinVar variation 1968732 (VCV001968732.5), dbSNP rs782815554, ClinGen allele CA10549741.
Genomic context (GRCh38, chrX:153,702,932, plus strand): 5'-GCAGCGGGCAGAGGAGGCTCCTCTGGACTTCCCTGCGGGGAAGGACACGAGGTCGAGCCT[C>T]ACTTTGCTTAGTGCTGGCCAGCTCGTCCTTTAGCTTCTGCAGGTCAGCCTTCAGGCTCCT-3'